The following is an entry in ClinVar:

NM_017763.6(RNF43):c.1679_1680delinsT (p.Lys560fs)

Gene: RNF43 (ring finger protein 43; minus strand). Cytogenetic location: 17q22.
Variant type: Indel.
Coding change: c.1679_1680delinsT on transcript NM_017763.6 (MANE Select); coding-DNA positions 1679 to 1680, AG replaced by T.
Protein change: p.Lys560fs; shifts the reading frame from lysine 560.
Molecular consequence: frameshift variant.
Genome position (GRCh38, 1-based): chr17:58,358,096-58,358,097, CT replaced by A on the plus strand (AG replaced by T on the coding strand, the reverse complement: RNF43 is on the minus strand). VCF-style: chr17-58358096-CT-A. GRCh37 (hg19) VCF-style: chr17-56435457-CT-A.
Other names: c.1679_1680delinsT, p.Lys560fs (NM_001305544.3, NM_001438820.1, NM_001438821.1 and 1 more transcripts); c.1298_1299delinsT, p.Lys433fs (NM_001305545.2, NM_001437987.1); short protein forms K560fs, K433fs.
Identifiers: ClinVar variation 5028351 (VCV005028351.1).

ClinVar aggregate classification (germline): Uncertain significance (1 of 4 stars; one submission).

Submission:

Ambry Genetics
Classification: Uncertain significance. Last evaluated: 2026-08-27. Review status: criteria provided, single submitter. Criteria: Ambry Variant Classification Scheme 2023. Collection method: clinical testing. Allele origin: germline.
Comment: The c.1679_1680delAGinsT variant, located in coding exon 8 of the RNF43 gene, results from the deletion of two nucleotides and insertion of one nucleotide causing a translational frameshift with a predicted alternate stop codon (p.K560Ifs*140). The evidence for this gene-disease relationship is limited; therefore, the clinical significance of this variant is unclear.